The following is an entry in ClinVar:

ClinVar aggregate classification (germline): Likely benign. Review status: criteria provided, multiple submitters, no conflicts (2 of 4 stars). 2 submissions from 2 submitters: Likely benign (2). Last evaluated 2024-07-10.

Conditions:
Wilson disease (WND). Also called: Wilson's disease. Identifiers: Orphanet 905, MedGen C0019202, MONDO:0010200, OMIM 277900. Disease mechanism: loss of function.

Submissions (2):

All of Us Research Program, National Institutes of Health
Classification: Likely benign for Wilson disease. Last evaluated: 2024-07-10. Review status: criteria provided, single submitter. Criteria: ACMG Guidelines, 2015. Collection method: clinical testing. Allele origin: germline. Inheritance: Autosomal recessive inheritance. Observed: 1 variant allele, 1 heterozygote.
Comment: This study involves interpretation of variants in research participants for the purpose of population health screening. Participant phenotype was not available at the time of variant classification. Additional details can be found in publication PMID: 35346344, PMCID: PMC8962531

Labcorp Genetics (formerly Invitae), Labcorp
Classification: Likely benign for Wilson disease. Last evaluated: 2024-01-31. Review status: criteria provided, single submitter. Criteria: Invitae Variant Classification Sherloc (09022015). Collection method: clinical testing. Allele origin: germline.

NM_000053.4(ATP7B):c.3564C>T (p.Leu1188=)

Gene: ATP7B (ATPase copper transporting beta; minus strand). Cytogenetic location: 13q14.3.
Variant type: single nucleotide variant.
Coding change: c.3564C>T on transcript NM_000053.4 (MANE Select); coding-DNA position 3564, C replaced by T.
Protein change: p.Leu1188=; no amino-acid change (leucine 1188 retained).
Molecular consequence: synonymous variant.
Genome position (GRCh38, 1-based): chr13:51,939,186, G>A on the plus strand (C>T on the coding strand, the complement: ATP7B is on the minus strand). VCF-style: chr13-51939186-G-A. GRCh37 (hg19) VCF-style: chr13-52513322-G-A.
Other names: c.2943C>T, p.Leu981= (NM_001005918.3); c.3231C>T, p.Leu1077= (NM_001243182.2); c.3330C>T, p.Leu1110= (NM_001330578.2); c.3312C>T, p.Leu1104= (NM_001330579.2).
Identifiers: ClinVar variation 1644853 (VCV001644853.9), dbSNP rs547413549, ClinGen allele CA250075215.